The following is an entry in ClinVar:

ClinVar aggregate classification (germline): Benign/Likely benign. Review status: criteria provided, multiple submitters, no conflicts (2 of 4 stars). 8 submissions from 7 submitters: Benign (3); Likely benign (5). Last evaluated 2026-01-24.

Conditions:
Melanoma, cutaneous malignant, susceptibility to, 8. Also called: Cutaneous malignant melanoma 8; MELANOMA AND RENAL CELL CARCINOMA, SUSCEPTIBILITY TO. Identifiers: Orphanet 293822, MedGen C3152204, MONDO:0013759, OMIM 614456.
Waardenburg syndrome type 2A (WS2A). Also called: WAARDENBURG SYNDROME WITHOUT DYSTOPIA CANTHORUM. Identifiers: Orphanet 3440, MedGen C1860339, MONDO:0008671, OMIM 193510.
Tietz syndrome (TADS). Also called: TIETZ ALBINISM-DEAFNESS SYNDROME; ALBINISM-DEAFNESS OF TIETZ; HYPOPIGMENTATION/DEAFNESS OF TIETZ. Identifiers: Orphanet 42665, MedGen C0391816, MONDO:0007077, OMIM 103500.
Hereditary cancer-predisposing syndrome. Also called: Neoplastic Syndromes, Hereditary; Hereditary Cancer Syndrome; Tumor predisposition; Hereditary neoplastic syndrome. Identifiers: Orphanet 140162, MedGen C0027672, MeSH D009386, MONDO:0015356.

Allele frequency attached by ClinVar (database versions not stated): ESP Exome Variant Server 0.00008; gnomAD 0.00025 and 0.00027; TOPMed 0.00025; ExAC 0.00039.
gnomAD v4.1: 381 of 1,613,912 alleles (0.024%); highest among the groups gnomAD compares: Middle Eastern, 0.049%; 2 homozygotes.

Submissions (8):

Labcorp Genetics (formerly Invitae), Labcorp
Classification: Benign for Melanoma, cutaneous malignant, susceptibility to, 8; Waardenburg syndrome type 2A; Tietz syndrome. Last evaluated: 2026-01-24. Review status: criteria provided, single submitter. Criteria: Invitae Variant Classification Sherloc (09022015). Collection method: clinical testing. Allele origin: germline.

Ambry Genetics
Classification: Likely benign for Hereditary cancer-predisposing syndrome. Last evaluated: 2024-11-18. Review status: criteria provided, single submitter. Criteria: Ambry Variant Classification Scheme 2023. Collection method: clinical testing. Allele origin: germline.

Blueprint Genetics
Classification: Likely benign. Last evaluated: 2024-11-08. Review status: criteria provided, single submitter. Criteria: ACMG Guidelines, 2015. Collection method: clinical testing. Allele origin: germline.

GeneDx
Classification: Likely benign. Last evaluated: 2020-09-29. Review status: criteria provided, single submitter. Criteria: GeneDx Variant Classification Process June 2021. Collection method: clinical testing. Allele origin: germline. Affected: yes.
Comment: This variant is associated with the following publications: (PMID: 28146043)

CeGaT Center for Human Genetics Tuebingen
Classification: Likely benign. Last evaluated: 2018-06-01. Review status: criteria provided, single submitter. Criteria: CeGaT Center For Human Genetics Tuebingen Variant Classification Criteria Version 2. Collection method: clinical testing. Allele origin: germline. Affected: yes. Observed: 1 variant allele.

Illumina Laboratory Services, Illumina
Classification: Benign for Tietz syndrome. Last evaluated: 2018-01-12. Review status: criteria provided, single submitter. Criteria: ICSL Variant Classification Criteria 13 December 2019. Collection method: clinical testing. Allele origin: germline.
Comment: This variant was observed in the ICSL laboratory as part of a predisposition screen in an ostensibly healthy population. It had not been previously curated by ICSL or reported in the Human Gene Mutation Database (HGMD: prior to June 1st, 2018), and was therefore a candidate for classification through an automated scoring system. Utilizing variant allele frequency, disease prevalence and penetrance estimates, and inheritance mode, an automated score was calculated to assess if this variant is too frequent to cause the disease. Based on the score and internal cut-off values, a variant classified as benign is not then subjected to further curation. The score for this variant resulted in a classification of benign for this disease.

Illumina Laboratory Services, Illumina
Classification: Benign for Waardenburg syndrome type 2A. Last evaluated: 2018-01-12. Review status: criteria provided, single submitter. Criteria: ICSL Variant Classification Criteria 13 December 2019. Collection method: clinical testing. Allele origin: germline.
Comment: the same text as in the submission from Illumina Laboratory Services, Illumina above.

Laboratory for Molecular Medicine, Mass General Brigham Personalized Medicine
Classification: Likely benign. Last evaluated: 2014-11-24. Review status: criteria provided, single submitter. Criteria: LMM Criteria. Collection method: clinical testing. Allele origin: germline. Observed: 1 variant allele.
Comment: Glu388Glu in exon 10 of MITF: This variant is not expected to have clinical sign ificance because it does not alter an amino acid residue and is not located with in the splice consensus sequence. It has been identified in 1/8600 European Amer ican chromosomes from a broad population by the NHLBI Exome Sequencing Project (dbSNP rs137904015).

NM_001354604.2(MITF):c.1182A>G (p.Glu394=)

Gene: MITF (melanocyte inducing transcription factor; plus strand). Cytogenetic location: 3p13.
Variant type: single nucleotide variant.
Coding change: c.1182A>G on transcript NM_001354604.2 (MANE Select); coding-DNA position 1182, A replaced by G.
Protein change: p.Glu394=; no amino-acid change (glutamic acid 394 retained).
Molecular consequence: synonymous variant.
Genome position (GRCh38, 1-based): chr3:69,964,849, A>G. VCF-style: chr3-69964849-A-G. GRCh37 (hg19) VCF-style: chr3-70014000-A-G.
Other names: c.861A>G, p.Glu287= (NM_000248.4); c.1008A>G, p.Glu336= (NM_001184967.2, NM_001354608.2); c.1179A>G, p.Glu393= (NM_001354605.2); c.1161A>G, p.Glu387= (NM_001354606.2, NM_006722.3); c.1113A>G, p.Glu371= (NM_001354607.2); c.843A>G, p.Glu281= (NM_198158.3); c.1164A>G, p.Glu388= (NM_198159.3); c.1116A>G, p.Glu372= (NM_198177.3); and 1 more.
Identifiers: ClinVar variation 227545 (VCV000227545.60), dbSNP rs137904015, ClinGen allele CA2490621.